The following is an entry in ClinVar:

NM_080425.4(GNAS):c.923del (p.Pro308fs)

Gene: GNAS (GNAS complex locus; plus strand). Cytogenetic location: 20q13.32.
Variant type: Deletion.
Coding change: c.923del on transcript NM_080425.4 (MANE Plus Clinical); coding-DNA position 923, one base deleted (C; older notation c.923delC).
Protein change: p.Pro308fs; shifts the reading frame from proline 308.
Molecular consequence: frameshift variant. On other transcripts: intron variant (3).
Genome position (GRCh38, 1-based): chr20:58,854,188, C deleted; the last of 5 consecutive C bases (chr20:58,854,184-58,854,188); deleting any one gives the same sequence. VCF-style (leftmost placement, unchanged base first): chr20-58854183-AC-A. GRCh37 (hg19) VCF-style: chr20-57429238-AC-A.
Other names: c.736del, p.Arg246fs (NM_001077490.3, NM_001309883.1); c.923del, p.Pro308fs (NM_001410913.1); c.*42+13302del (NM_016592.5); c.43+13302del (NM_001410912.1); c.-39+12313del (NM_001309861.2); short protein forms P308fs, R246fs.
Identifiers: ClinVar variation 3350185 (VCV003350185.1).

ClinVar aggregate classification (germline): Uncertain significance (0 of 4 stars; one submission).

Conditions:
GNAS-related disorder. Identifiers: MedGen CN380105.

Submission:

PreventionGenetics, part of Exact Sciences
Classification: Uncertain significance for GNAS-related condition. Last evaluated: 2024-02-26. Review status: no assertion criteria provided. Collection method: clinical testing. Allele origin: germline.
Comment: The GNAS c.923delC variant is predicted to result in a frameshift and premature protein termination (p.Pro308Argfs*382). This variant is also referred to as c.-37539delC (pre-coding) with the more commonly reported isoform NM_000516. This variant was reported as a germline variant in an individual with head and neck squamous cell carcinoma that also carried several other gene variants (Supp. Table 3, Patient CP13S in Cury. 2021. PubMed ID: 34598035). To our knowledge, this variant has not been reported in a large population database, indicating this variant is rare. At this time, the clinical significance of this variant is uncertain due to the absence of conclusive functional and genetic evidence.